The following is an entry in ClinVar:

ClinVar aggregate classification (germline): Uncertain significance (1 of 4 stars; one submission).

Submission:

Labcorp Genetics (formerly Invitae), Labcorp
Classification: Uncertain significance. Last evaluated: 2022-10-26. Review status: criteria provided, single submitter. Criteria: Invitae Variant Classification Sherloc (09022015). Collection method: clinical testing. Allele origin: germline.
Comment: This sequence change replaces methionine, which is neutral and non-polar, with isoleucine, which is neutral and non-polar, at codon 59 of the GNA11 protein (p.Met59Ile). This variant is not present in population databases (gnomAD no frequency). This variant has not been reported in the literature in individuals affected with GNA11-related conditions. Advanced modeling of protein sequence and biophysical properties (such as structural, functional, and spatial information, amino acid conservation, physicochemical variation, residue mobility, and thermodynamic stability) has been performed at Invitae for this missense variant, however the output from this modeling did not meet the statistical confidence thresholds required to predict the impact of this variant on GNA11 protein function. In summary, the available evidence is currently insufficient to determine the role of this variant in disease. Therefore, it has been classified as a Variant of Uncertain Significance.

NM_002067.5(GNA11):c.177G>A (p.Met59Ile)

Gene: GNA11 (G protein subunit alpha 11; plus strand). Cytogenetic location: 19p13.3.
Variant type: single nucleotide variant.
Coding change: c.177G>A on transcript NM_002067.5 (MANE Select); coding-DNA position 177, G replaced by A.
Protein change: p.Met59Ile; replaces methionine 59 with isoleucine.
Molecular consequence: missense variant.
Genome position (GRCh38, 1-based): chr19:3,110,189, G>A. VCF-style: chr19-3110189-G-A. GRCh37 (hg19) VCF-style: chr19-3110187-G-A.
Other names: short protein forms M59I.
Identifiers: ClinVar variation 2186163 (VCV002186163.4), dbSNP rs2512089148, ClinGen allele CA403305441.